The following is an entry in ClinVar:

NM_005141.5(FGB):c.1258C>T (p.Pro420Ser)

Gene: FGB (fibrinogen beta chain; plus strand). Cytogenetic location: 4q31.3.
Variant type: single nucleotide variant.
Coding change: c.1258C>T on transcript NM_005141.5 (MANE Select); coding-DNA position 1258, C replaced by T.
Protein change: p.Pro420Ser; replaces proline 420 with serine.
Molecular consequence: missense variant. On other transcripts: 3 prime UTR variant (1), intron variant (2).
Genome position (GRCh38, 1-based): chr4:154,570,432, C>T. VCF-style: chr4-154570432-C-T. GRCh37 (hg19) VCF-style: chr4-155491584-C-T.
Other names: c.*32C>T (NM_001382764.1); c.1234C>T, p.Pro412Ser (NM_001382765.1); c.1245-77C>T (NM_001382761.1); c.1245-185C>T (NM_001382760.1); c.1081C>T, p.Pro361Ser (NM_001184741.1); c.1126C>T, p.Pro376Ser (NM_001382759.1); c.958C>T, p.Pro320Ser (NM_001382762.1); c.1249C>T, p.Pro417Ser (NM_001382763.1); short protein forms P376S, P420S, P361S, P417S, P320S, P412S.
Identifiers: ClinVar variation 4024586 (VCV004024586.2).
Genomic context (GRCh38, chr4:154,570,432, plus strand): 5'-ACCACCGTAGTTCTGTTTCTAATAACGCCAAACACATTTTCTTTCAGGTTAACATCAGAT[C>T]CCAGAAAACAGTGTTCTAAAGAAGACGGTGGTGGATGGTGGTATAATAGATGTCATGCAG-3'
Protein context (NP_005132.2, residues 410-430): RDNDGWLTSD[Pro420Ser]RKQCSKEDGG

ClinVar aggregate classification (germline): Uncertain significance. Review status: criteria provided, multiple submitters, no conflicts (2 of 4 stars). 2 submissions from 2 submitters: Uncertain significance (2). Last evaluated 2025-10-16.

Conditions:
Inborn genetic diseases. Identifiers: MedGen C0950123, MeSH D030342.

gnomAD v4.1: 63 of 1,613,048 alleles (0.0039%); highest among the groups gnomAD compares: Admixed American, 0.1%; no homozygotes.

Submissions (2):

Women's Health and Genetics/Laboratory Corporation of America, LabCorp
Classification: Uncertain significance. Last evaluated: 2025-10-16. Review status: criteria provided, single submitter. Criteria: LabCorp Variant Classification Summary - May 2015. Collection method: clinical testing. Allele origin: germline.
Comment: Variant summary: FGB c.1258C>T (p.Pro420Ser) results in a non-conservative amino acid change located in the C-terminal globular domain (IPR002181) of the encoded protein sequence. Algorithms developed to predict the effect of missense changes on protein structure and function are either unavailable or do not agree on the potential impact of this missense change. The variant allele was found at a frequency of 0.00011 in 251100 control chromosomes. This frequency is not significantly higher than estimated for disease-causing variants in FGB, allowing no conclusion about variant significance. To our knowledge, no occurrence of c.1258C>T in individuals affected with FGB-related conditions and no experimental evidence demonstrating its impact on protein function have been reported. ClinVar contains an entry for this variant (Variation ID: 4024586). Based on the evidence outlined above, the variant was classified as uncertain significance.

Ambry Genetics
Classification: Uncertain significance for Inborn genetic diseases. Last evaluated: 2025-04-10. Review status: criteria provided, single submitter. Criteria: Ambry Variant Classification Scheme 2023. Collection method: clinical testing. Allele origin: germline.